The following is an entry in ClinVar:

NM_000388.4(CASR):c.497G>A (p.Ser166Asn)

Gene: CASR (calcium sensing receptor; plus strand). Cytogenetic location: 3q21.1.
Variant type: single nucleotide variant.
Coding change: c.497G>A on transcript NM_000388.4 (MANE Select); coding-DNA position 497, G replaced by A.
Protein change: p.Ser166Asn; replaces serine 166 with asparagine.
Molecular consequence: missense variant.
Genome position (GRCh38, 1-based): chr3:122,261,532, G>A. VCF-style: chr3-122261532-G-A. GRCh37 (hg19) VCF-style: chr3-121980379-G-A.
Other names: c.497G>A, p.Ser166Asn (NM_001178065.2); short protein forms S166N.
Identifiers: ClinVar variation 2952274 (VCV002952274.5), dbSNP rs1417148850, ClinGen allele CA354150713.

ClinVar aggregate classification (germline): Uncertain significance. Review status: criteria provided, multiple submitters, no conflicts (2 of 4 stars). 2 submissions from 2 submitters: Uncertain significance (2). Last evaluated 2025-01-27.

Conditions:
Autosomal dominant hypocalcemia 1 (HYPOC1). Also called: HYPOCALCEMIA, FAMILIAL. Identifiers: MedGen C3715128, MONDO:0011013, OMIM 601198.
Familial hypocalciuric hypercalcemia (FHH). Also called: Familial benign hypercalcemia. Identifiers: Orphanet 405, MedGen C1809471, MONDO:0018458.

Submissions (2):

Women's Health and Genetics/Laboratory Corporation of America, LabCorp
Classification: Uncertain significance. Last evaluated: 2025-01-27. Review status: criteria provided, single submitter. Criteria: LabCorp Variant Classification Summary - May 2015. Collection method: clinical testing. Allele origin: germline.
Comment: Variant summary: CASR c.497G>A (p.Ser166Asn) results in a conservative amino acid change in the encoded protein sequence. Four of five in-silico tools predict a damaging effect of the variant on protein function. The variant was absent in 251178 control chromosomes. The available data on variant occurrences in the general population are insufficient to allow any conclusion about variant significance. To our knowledge, no occurrence of c.497G>A in individuals affected with Autosomal Dominant Hypocalcemia and no experimental evidence demonstrating its impact on protein function have been reported. ClinVar contains an entry for this variant (Variation ID: 2952274). Based on the evidence outlined above, the variant was classified as uncertain significance.

Labcorp Genetics (formerly Invitae), Labcorp
Classification: Uncertain significance for Familial hypocalciuric hypercalcemia; Autosomal dominant hypocalcemia 1. Last evaluated: 2023-09-26. Review status: criteria provided, single submitter. Criteria: Invitae Variant Classification Sherloc (09022015). Collection method: clinical testing. Allele origin: germline.
Comment: In summary, the available evidence is currently insufficient to determine the role of this variant in disease. Therefore, it has been classified as a Variant of Uncertain Significance. An algorithm developed to predict the effect of missense changes on protein structure and function (PolyPhen-2) suggests that this variant is likely to be disruptive. This variant has not been reported in the literature in individuals affected with CASR-related conditions. This variant is not present in population databases (gnomAD no frequency). This sequence change replaces serine, which is neutral and polar, with asparagine, which is neutral and polar, at codon 166 of the CASR protein (p.Ser166Asn).